The following is an entry in ClinVar:

ClinVar aggregate classification (germline): Uncertain significance (1 of 4 stars; one submission).

Conditions:
Adams-Oliver syndrome 5 (AOS5). Identifiers: Orphanet 974, MedGen C4014970, MONDO:0014459, OMIM 616028.

Allele frequency attached by ClinVar (database versions not stated): gnomAD exomes below 0.00001.
gnomAD v4.1: 1 of 1,568,690 alleles (0.000064%); highest among the groups gnomAD compares: South Asian, 0.0012%; no homozygotes.

Submission:

Labcorp Genetics (formerly Invitae), Labcorp
Classification: Uncertain significance for Adams-Oliver syndrome 5. Last evaluated: 2024-02-13. Review status: criteria provided, single submitter. Criteria: Invitae Variant Classification Sherloc (09022015). Collection method: clinical testing. Allele origin: germline.
Comment: This sequence change replaces asparagine, which is neutral and polar, with aspartic acid, which is acidic and polar, at codon 180 of the NOTCH1 protein (p.Asn180Asp). This variant is not present in population databases (gnomAD no frequency). This variant has not been reported in the literature in individuals affected with NOTCH1-related conditions. Advanced modeling of protein sequence and biophysical properties (such as structural, functional, and spatial information, amino acid conservation, physicochemical variation, residue mobility, and thermodynamic stability) performed at Invitae indicates that this missense variant is not expected to disrupt NOTCH1 protein function with a negative predictive value of 95%. In summary, the available evidence is currently insufficient to determine the role of this variant in disease. Therefore, it has been classified as a Variant of Uncertain Significance.

NM_017617.5(NOTCH1):c.538A>G (p.Asn180Asp)

Gene: NOTCH1 (notch receptor 1; minus strand). Cytogenetic location: 9q34.3.
Variant type: single nucleotide variant.
Coding change: c.538A>G on transcript NM_017617.5 (MANE Select); coding-DNA position 538, A replaced by G.
Protein change: p.Asn180Asp; replaces asparagine 180 with aspartic acid.
Molecular consequence: missense variant.
Genome position (GRCh38, 1-based): chr9:136,523,054, T>C on the plus strand (A>G on the coding strand, the complement: NOTCH1 is on the minus strand). VCF-style: chr9-136523054-T-C. GRCh37 (hg19) VCF-style: chr9-139417506-T-C.
Other names: short protein forms N180D.
Identifiers: ClinVar variation 2761523 (VCV002761523.3), dbSNP rs2540468367, ClinGen allele CA375570456.